The following is an entry in ClinVar:

ClinVar aggregate classification (germline): Uncertain significance (1 of 4 stars; one submission).

Conditions:
POLD1-related polyposis and colorectal cancer syndrome (CRCS10). Also called: Colorectal cancer 10; Colorectal cancer, susceptibility to, 10; COLORECTAL CANCER, SUSCEPTIBILITY TO, ON CHROMOSOME 19q. Identifiers: Orphanet 220460, MedGen C2675481, MONDO:0012953, OMIM 612591.

Submission:

Labcorp Genetics (formerly Invitae), Labcorp
Classification: Uncertain significance for POLD1-related polyposis and colorectal cancer syndrome. Last evaluated: 2022-11-13. Review status: criteria provided, single submitter. Criteria: Invitae Variant Classification Sherloc (09022015). Collection method: clinical testing. Allele origin: germline.
Comment: In summary, the available evidence is currently insufficient to determine the role of this variant in disease. Therefore, it has been classified as a Variant of Uncertain Significance. This sequence change falls in intron 20 of the POLD1 gene. It does not directly change the encoded amino acid sequence of the POLD1 protein. This variant is not present in population databases (gnomAD no frequency). This variant has not been reported in the literature in individuals affected with POLD1-related conditions. Algorithms developed to predict the effect of sequence changes on RNA splicing suggest that this variant may create or strengthen a splice site.

NM_002691.4(POLD1):c.2565-13del

Gene: POLD1 (DNA polymerase delta 1, catalytic subunit; plus strand). Cytogenetic location: 19q13.33.
Variant type: Deletion.
Coding change: c.2565-13del on transcript NM_002691.4 (MANE Select); 13 bases into the intron before coding-DNA position 2565, one base deleted (C; older notation c.2565-13delC).
Molecular consequence: intron variant.
Genome position (GRCh38, 1-based): chr19:50,415,425, C deleted; the last of 3 consecutive C bases (chr19:50,415,423-50,415,425); deleting any one gives the same sequence. VCF-style (leftmost placement, unchanged base first): chr19-50415422-GC-G. GRCh37 (hg19) VCF-style: chr19-50918679-GC-G.
Other names: c.2565-13del (NM_001256849.1); c.2643-13del (NM_001308632.1).
Identifiers: ClinVar variation 2814025 (VCV002814025.3), dbSNP rs2514053002, ClinGen allele CA2739276977.
Genomic context (GRCh38, chr19:50,415,422, plus strand): 5'-AGCCCTGAGACCCGTGGAGGCACCAGCCTGGCCCTCAGTGCCTTTTGGTGACGCTGTGCG[GC>G]CCGCTCTCCTACAGAGACCCTGAGGGCGCGGTGGCTCACGCACAGGACGTCATCTCGGAC-3'